The following is an entry in ClinVar:

ClinVar aggregate classification (germline): Uncertain significance (1 of 4 stars; one submission).

Allele frequency attached by ClinVar (database versions not stated): ExAC 0.00002; gnomAD exomes 0.00002 and 0.00012; gnomAD 0.00003 and 0.00004; TOPMed 0.00003; ESP Exome Variant Server 0.00008.
gnomAD v4.1: 173 of 1,613,738 alleles (0.011%); highest among the groups gnomAD compares: Non-Finnish European, 0.014%; no homozygotes.

Submission:

Labcorp Genetics (formerly Invitae), Labcorp
Classification: Uncertain significance. Last evaluated: 2025-08-11. Review status: criteria provided, single submitter. Criteria: Invitae Variant Classification Sherloc (09022015). Collection method: clinical testing. Allele origin: germline.
Comment: This sequence change replaces aspartic acid, which is acidic and polar, with glycine, which is neutral and non-polar, at codon 776 of the GEN1 protein (p.Asp776Gly). This variant is present in population databases (rs369351063, gnomAD 0.005%). This variant has not been reported in the literature in individuals affected with GEN1-related conditions. ClinVar contains an entry for this variant (Variation ID: 1043170). An algorithm developed to predict the effect of missense changes on protein structure and function (PolyPhen-2) suggests that this variant is likely to be tolerated. In summary, the available evidence is currently insufficient to determine the role of this variant in disease. Therefore, it has been classified as a Variant of Uncertain Significance.

NM_001130009.3(GEN1):c.2327A>G (p.Asp776Gly)

Gene: GEN1 (GEN1 structure-specific endonuclease; plus strand). Cytogenetic location: 2p24.2.
Variant type: single nucleotide variant.
Coding change: c.2327A>G on transcript NM_001130009.3 (MANE Select); coding-DNA position 2327, A replaced by G.
Protein change: p.Asp776Gly; replaces aspartic acid 776 with glycine.
Molecular consequence: missense variant.
Genome position (GRCh38, 1-based): chr2:17,781,539, A>G. VCF-style: chr2-17781539-A-G. GRCh37 (hg19) VCF-style: chr2-17962806-A-G.
Other names: c.2327A>G, p.Asp776Gly (NM_182625.5); short protein forms D776G.
Identifiers: ClinVar variation 1043170 (VCV001043170.6), dbSNP rs369351063, ClinGen allele CA1540938.